The following is an entry in ClinVar:

NM_177438.3(DICER1):c.1377-9T>C

Gene: DICER1 (dicer 1, ribonuclease III; minus strand). Cytogenetic location: 14q32.13.
Variant type: single nucleotide variant.
Coding change: c.1377-9T>C on transcript NM_177438.3 (MANE Select); 9 bases into the intron before coding-DNA position 1377, T replaced by C.
Molecular consequence: intron variant.
Genome position (GRCh38, 1-based): chr14:95,117,763, A>G on the plus strand (T>C on the coding strand, the complement: DICER1 is on the minus strand). VCF-style: chr14-95117763-A-G. GRCh37 (hg19) VCF-style: chr14-95584100-A-G.
Other names: c.1377-9T>C (NM_001291628.2, NM_030621.4, NM_001271282.3 and 1 more transcripts).
Identifiers: ClinVar variation 221115 (VCV000221115.14), dbSNP rs373746475, ClinGen allele CA349298.

ClinVar aggregate classification (germline): Likely benign. Review status: criteria provided, multiple submitters, no conflicts (2 of 4 stars). 2 submissions from 2 submitters: Likely benign (2). Last evaluated 2026-04-13.

Conditions:
DICER1-related tumor predisposition. Also called: DICER1-related pleuropulmonary blastoma cancer predisposition syndrome; DICER1 syndrome. Identifiers: Orphanet 284343, MedGen C3839822, MONDO:0100216.

Allele frequency attached by ClinVar (database versions not stated): gnomAD exomes below 0.00001; TOPMed 0.00001; gnomAD 0.00003; ESP Exome Variant Server 0.00008; ExAC 0.00001.
gnomAD v4.1: 5 of 1,613,460 alleles (0.00031%); highest among the groups gnomAD compares: Non-Finnish European, 0.00042%; no homozygotes.

Submissions (2):

Myriad Genetics, Inc.
Classification: Likely benign for DICER1-related tumor predisposition. Last evaluated: 2026-04-13. Review status: criteria provided, single submitter. Criteria: Myriad Autosomal Dominant, Autosomal Recessive and X-Linked Classification Criteria (2023). Collection method: clinical testing. Allele origin: unknown.
Comment: This variant is considered likely benign. This variant is intronic and is not expected to impact mRNA splicing.

Labcorp Genetics (formerly Invitae), Labcorp
Classification: Likely benign for DICER1-related tumor predisposition. Last evaluated: 2025-11-05. Review status: criteria provided, single submitter. Criteria: Invitae Variant Classification Sherloc (09022015). Collection method: clinical testing. Allele origin: germline.